The following is an entry in ClinVar:

NM_001276270.2(MBD4):c.1365C>G (p.Ile455Met)

Gene: MBD4 (methyl-CpG binding domain 4, DNA glycosylase; minus strand). Cytogenetic location: 3q21.3.
Variant type: single nucleotide variant.
Coding change: c.1365C>G on transcript NM_001276270.2 (MANE Select); coding-DNA position 1365, C replaced by G.
Protein change: p.Ile455Met; replaces isoleucine 455 with methionine.
Molecular consequence: missense variant.
Genome position (GRCh38, 1-based): chr3:129,433,878, G>C on the plus strand (C>G on the coding strand, the complement: MBD4 is on the minus strand). VCF-style: chr3-129433878-G-C. GRCh37 (hg19) VCF-style: chr3-129152721-G-C.
Other names: c.1383C>G, p.Ile461Met (NM_001276271.2, NM_001276272.2, NM_003925.3); c.429C>G, p.Ile143Met (NM_001276273.2); short protein forms I143M, I455M, I461M.
Identifiers: ClinVar variation 4052210 (VCV004052210.1).

ClinVar aggregate classification (germline): Uncertain significance (1 of 4 stars; one submission).

Conditions:
Inborn genetic diseases. Identifiers: MedGen C0950123, MeSH D030342.

gnomAD v4.1: 2 of 1,614,110 alleles (0.00012%); highest among the groups gnomAD compares: Non-Finnish European, 0.00017%; no homozygotes.

Submission:

Ambry Genetics
Classification: Uncertain significance for Inborn genetic diseases. Last evaluated: 2025-04-18. Review status: criteria provided, single submitter. Criteria: Ambry Variant Classification Scheme 2023. Collection method: clinical testing. Allele origin: germline.
Comment: The p.I455M variant (also known as c.1365C>G), located in coding exon 5 of the MBD4 gene, results from a C to G substitution at nucleotide position 1365. The isoleucine at codon 455 is replaced by methionine, an amino acid with highly similar properties. This amino acid position is conserved. In addition, the in silico prediction for this alteration is inconclusive. Based on the available evidence, the clinical significance of this variant remains unclear.